The following is an entry in ClinVar:

NM_015443.4(KANSL1):c.2685T>G (p.Leu895=)

Gene: KANSL1 (KAT8 regulatory NSL complex subunit 1). Cytogenetic location: 17q21.31.
Variant type: single nucleotide variant.
Coding change: c.2685T>G on transcript NM_015443.4 (MANE Select); coding-DNA position 2685, T replaced by G.
Protein change: p.Leu895=; no amino-acid change (leucine 895 retained).
Molecular consequence: synonymous variant.
Genome position (GRCh38, 1-based): chr17:46,033,442, A>C on the plus strand (T>G on the coding strand, the complement: KANSL1 is on the minus strand). VCF-style: chr17-46033442-A-C. GRCh37 (hg19) VCF-style: chr17-44110808-A-C.
Other names: c.2682T>G, p.Leu894= (NM_001193465.2, NM_001405856.1, NM_001405857.1 and 1 more transcripts); c.2685T>G, p.Leu895= (NM_001193466.2, NM_001379198.1, NM_001405854.1 and 4 more transcripts); c.2583T>G, p.Leu861= (NM_001405859.1, NM_001405860.1); c.2580T>G, p.Leu860= (NM_001405861.1, NM_001405881.1); c.2496T>G, p.Leu832= (NM_001405875.1, NM_001405876.1, NM_001405877.1 and 1 more transcripts); c.2493T>G, p.Leu831= (NM_001405879.1, NM_001405880.1); c.1419T>G, p.Leu473= (NM_001405882.1); c.1416T>G, p.Leu472= (NM_001405883.1); and 2 more.
Identifiers: ClinVar variation 2647856 (VCV002647856.24), dbSNP rs2510394082, ClinGen allele CA500372192.

ClinVar aggregate classification (germline): Likely benign (1 of 4 stars; one submission).

Allele frequency attached by ClinVar (database versions not stated): gnomAD exomes below 0.00001.
gnomAD v4.1: 1 of 1,614,160 alleles (0.000062%); highest among the groups gnomAD compares: Non-Finnish European, 0.000085%; no homozygotes.

Submission:

CeGaT Center for Human Genetics Tuebingen
Classification: Likely benign. Last evaluated: 2023-01-01. Review status: criteria provided, single submitter. Criteria: CeGaT Center For Human Genetics Tuebingen Variant Classification Criteria Version 2. Collection method: clinical testing. Allele origin: germline. Affected: yes. Observed: 1 variant allele.
Comment: KANSL1: PM2:Supporting, BP4, BP7